The following is an entry in ClinVar:

NM_000059.4(BRCA2):c.7342A>C (p.Lys2448Gln)

Gene: BRCA2 (BRCA2 DNA repair associated; plus strand). Cytogenetic location: 13q13.1.
Variant type: single nucleotide variant.
Coding change: c.7342A>C on transcript NM_000059.4 (MANE Select); coding-DNA position 7342, A replaced by C.
Protein change: p.Lys2448Gln; replaces lysine 2448 with glutamine.
Molecular consequence: missense variant.
Genome position (GRCh38, 1-based): chr13:32,355,195, A>C. VCF-style: chr13-32355195-A-C. GRCh37 (hg19) VCF-style: chr13-32929332-A-C.
Other names: short protein forms K2448Q.
Identifiers: ClinVar variation 188104 (VCV000188104.18), dbSNP rs786204069, ClinGen allele CA025038.

ClinVar aggregate classification (germline): Uncertain significance. Review status: criteria provided, multiple submitters, no conflicts (2 of 4 stars). 4 submissions from 4 submitters: Uncertain significance (4). Last evaluated 2025-10-16.

Conditions:
Hereditary cancer-predisposing syndrome. Also called: Neoplastic Syndromes, Hereditary; Hereditary neoplastic syndrome; Tumor predisposition; Hereditary Cancer Syndrome. Identifiers: Orphanet 140162, MedGen C0027672, MeSH D009386, MONDO:0015356.
Hereditary breast ovarian cancer syndrome. Also called: BRCA1- and BRCA2-Associated Hereditary Breast and Ovarian Cancer; Hereditary breast and ovarian cancer syndrome; Hereditary breast and ovarian cancer syndrome (HBOC); Hereditary breast and ovarian cancer; Breast and ovarian cancer; Hereditary breast and/or ovarian cancer syndrome. Identifiers: Orphanet 145, MedGen C0677776, MeSH D061325, MONDO:0003582. Disease mechanism: loss of function.
Breast-ovarian cancer, familial, susceptibility to, 2 (BROVCA2). Also called: BRCA2 Hereditary Breast and Ovarian Cancer. Identifiers: Orphanet 145, MedGen C2675520, MONDO:0012933, OMIM 612555. Disease mechanism: loss of function.

Submissions (4):

Labcorp Genetics (formerly Invitae), Labcorp
Classification: Uncertain significance for Hereditary breast ovarian cancer syndrome. Last evaluated: 2025-10-16. Review status: criteria provided, single submitter. Criteria: Invitae Variant Classification Sherloc (09022015). Collection method: clinical testing. Allele origin: germline.
Comment: This sequence change replaces lysine, which is basic and polar, with glutamine, which is neutral and polar, at codon 2448 of the BRCA2 protein (p.Lys2448Gln). This variant is not present in population databases (gnomAD no frequency). This variant has not been reported in the literature in individuals affected with BRCA2-related conditions. ClinVar contains an entry for this variant (Variation ID: 188104). Invitae Evidence Modeling of protein sequence and biophysical properties (such as structural, functional, and spatial information, amino acid conservation, physicochemical variation, residue mobility, and thermodynamic stability) indicates that this missense variant is not expected to disrupt BRCA2 protein function with a negative predictive value of 95%. In summary, the available evidence is currently insufficient to determine the role of this variant in disease. Therefore, it has been classified as a Variant of Uncertain Significance.

Dasa
Classification: Uncertain significance for Breast-ovarian cancer, familial, susceptibility to, 2. Last evaluated: 2025-04-14. Review status: criteria provided, single submitter. Criteria: DASA Assertion Criteria. Collection method: clinical testing. Allele origin: germline.
Comment: NM_000059.4(BRCA2):c.7342A>C (p.Lys2448Gln) is a missense variant that results in the substitution of lysine with glutamine. This variant is absent from population databases. The currently available literature and clinical evidence are not sufficient to establish a definitive association between this variant and the reported condition. Therefore, this variant is classified as a variant of uncertain significance.

ARUP Laboratories, Molecular Genetics and Genomics, ARUP Laboratories
Classification: Uncertain significance. Last evaluated: 2024-08-26. Review status: criteria provided, single submitter. Criteria: ARUP Molecular Germline Variant Investigation Process 2024. Collection method: clinical testing. Allele origin: germline.
Comment: The BRCA2 c.7342A>C; p.Lys2448Gln variant (rs786204069), to our knowledge, is not reported in the medical literature but is reported in ClinVar (Variation ID: 188104). This variant is absent from the Genome Aggregation Database (v2.1.1), indicating it is not a common polymorphism. Computational analyses predict that this variant is neutral (REVEL: 0.059, BayesDel). Due to limited information, the clinical significance of this variant is uncertain at this time.

Ambry Genetics
Classification: Uncertain significance for Hereditary cancer-predisposing syndrome. Last evaluated: 2023-07-27. Review status: criteria provided, single submitter. Criteria: Ambry Variant Classification Scheme 2023. Collection method: clinical testing. Allele origin: germline.
Comment: The p.K2448Q variant (also known as c.7342A>C), located in coding exon 13 of the BRCA2 gene, results from an A to C substitution at nucleotide position 7342. The lysine at codon 2448 is replaced by glutamine, an amino acid with similar properties. This amino acid position is poorly conserved in available vertebrate species. In addition, this alteration is predicted to be tolerated by in silico analysis. Since supporting evidence is limited at this time, the clinical significance of this alteration remains unclear.